The following is an entry in ClinVar:

ClinVar aggregate classification (germline): Pathogenic (1 of 4 stars; one submission).

Conditions:
Tuberous sclerosis 1 (TSC1). Identifiers: Orphanet 805, MedGen C1854465, MONDO:0008612, OMIM 191100.

Submission:

Labcorp Genetics (formerly Invitae), Labcorp
Classification: Pathogenic for Tuberous sclerosis 1. Last evaluated: 2024-09-10. Review status: criteria provided, single submitter. Criteria: Invitae Variant Classification Sherloc (09022015). Collection method: clinical testing. Allele origin: germline.
Comment: This sequence change creates a premature translational stop signal (p.Pro323Alafs*18) in the TSC1 gene. It is expected to result in an absent or disrupted protein product. Loss-of-function variants in TSC1 are known to be pathogenic (PMID: 10227394, 17304050). This variant is not present in population databases (gnomAD no frequency). This variant has not been reported in the literature in individuals affected with TSC1-related conditions. For these reasons, this variant has been classified as Pathogenic.

Literature cited by the submitters: PubMed 10227394; PubMed 17304050.

NM_000368.5(TSC1):c.966dup (p.Pro323fs)

Gene: TSC1 (TSC complex subunit 1; minus strand). Cytogenetic location: 9q34.13.
Variant type: Duplication.
Coding change: c.966dup on transcript NM_000368.5 (MANE Select); coding-DNA position 966, one base duplicated (G; older notation c.966dupG).
Protein change: p.Pro323fs; shifts the reading frame from proline 323.
Molecular consequence: frameshift variant. On other transcripts: non-coding transcript variant (5), 5 prime UTR variant (2).
Genome position (GRCh38, 1-based): chr9:132,911,516, C duplicated on the plus strand (G on the coding strand, the reverse complement: TSC1 is on the minus strand). VCF-style (leftmost placement, unchanged base first): chr9-132911515-G-GC. GRCh37 (hg19) VCF-style: chr9-135786902-G-GC.
Other names: c.603dup, p.Pro202fs (NM_001406614.1, NM_001406615.1, NM_001406616.1 and 10 more transcripts); c.966dup, p.Pro323fs (NM_001406599.1, NM_001406604.1, NM_001406605.1 and 16 more transcripts); c.15dup, p.Pro6fs (NM_001406626.1, NM_001406627.1, NM_001406628.1); c.-128dup (NM_001406629.1, NM_001406630.1); c.813dup, p.Pro272fs (NM_001406610.1, NM_001406611.1, NM_001406612.1 and 2 more transcripts); short protein forms P323fs, P272fs, P6fs, P202fs.
Identifiers: ClinVar variation 3727512 (VCV003727512.2).
Genomic context (GRCh38, chr9:132,911,515, plus strand): 5'-GTGGTGGTTCAGTTATCAGCCGTGTCGATGGGGAACTCAGAGTCTGAGGTAGCTGCCCTG[G>GC]CATATTTAACAACATCAGCCGAGACGTGGAGTAAGGGGTAGAAGTAGCACACCCTAAAAT-3'